The following is an entry in ClinVar:

ClinVar aggregate classification (germline): Likely benign. Review status: criteria provided, multiple submitters, no conflicts (2 of 4 stars). 4 submissions from 4 submitters: Likely benign (2). 2 of the submissions do not count toward it. Last evaluated 2026-01-19.

Conditions:
Optic atrophy. Identifiers: MedGen C0029124, MONDO:0003608, HP:0000648.
KIAA1549-related disorder. Also called: KIAA1549-related condition.

Allele frequency attached by ClinVar (database versions not stated): 1000 Genomes Project 0.00060; 1000 Genomes Project 30x 0.00062; ESP Exome Variant Server 0.00103.
gnomAD v4.1: 427 of 1,614,014 alleles (0.026%); highest among the groups gnomAD compares: African/African-American, 0.43%; 6 homozygotes.

Submissions (4):

Labcorp Genetics (formerly Invitae), Labcorp
Classification: Likely benign. Last evaluated: 2026-01-19. Review status: criteria provided, single submitter. Criteria: Invitae Variant Classification Sherloc (09022015). Collection method: clinical testing. Allele origin: germline.

Blueprint Genetics
Classification: Likely benign. Last evaluated: 2024-09-26. Review status: criteria provided, single submitter. Criteria: ACMG Guidelines, 2015. Collection method: clinical testing. Allele origin: germline.

Institute of Human Genetics, Univ. Regensburg, Univ. Regensburg
Classification: Uncertain significance for Optic atrophy. Last evaluated: 2023-01-01. Review status: no assertion criteria provided. Criteria: ACMG Guidelines, 2015. Collection method: clinical testing. Allele origin: germline. Affected: yes. Not counted in ClinVar's aggregate classification.

PreventionGenetics, part of Exact Sciences
Classification: Likely benign for KIAA1549-related condition. Last evaluated: 2021-02-09. Review status: no assertion criteria provided. Collection method: clinical testing. Allele origin: germline. Not counted in ClinVar's aggregate classification.
Comment: This variant is classified as likely benign based on ACMG/AMP sequence variant interpretation guidelines (Richards et al. 2015 PMID: 25741868, with internal and published modifications).

NM_001164665.2(KIAA1549):c.676G>T (p.Ala226Ser)

Gene: KIAA1549 (KIAA1549; minus strand). Cytogenetic location: 7q34.
Variant type: single nucleotide variant.
Coding change: c.676G>T on transcript NM_001164665.2 (MANE Select); coding-DNA position 676, G replaced by T.
Protein change: p.Ala226Ser; replaces alanine 226 with serine.
Molecular consequence: missense variant.
Genome position (GRCh38, 1-based): chr7:138,918,950, C>A on the plus strand (G>T on the coding strand, the complement: KIAA1549 is on the minus strand). VCF-style: chr7-138918950-C-A. GRCh37 (hg19) VCF-style: chr7-138603696-C-A.
Other names: c.676G>T, p.Ala226Ser (NM_020910.3); c.676G>T (NM_001164665.1); short protein forms A226S.
Identifiers: ClinVar variation 2055108 (VCV002055108.8), dbSNP rs202110418, ClinGen allele CA4506892.